The following is an entry in ClinVar:

NM_007194.4(CHEK2):c.1499C>T (p.Ser500Phe)

Gene: CHEK2 (checkpoint kinase 2; minus strand). Cytogenetic location: 22q12.1.
Variant type: single nucleotide variant.
Coding change: c.1499C>T on transcript NM_007194.4 (MANE Select); coding-DNA position 1499, C replaced by T.
Protein change: p.Ser500Phe; replaces serine 500 with phenylalanine.
Molecular consequence: missense variant.
Genome position (GRCh38, 1-based): chr22:28,689,178, G>A on the plus strand (C>T on the coding strand, the complement: CHEK2 is on the minus strand). VCF-style: chr22-28689178-G-A. GRCh37 (hg19) VCF-style: chr22-29085166-G-A.
Other names: c.1628C>T, p.Ser543Phe (NM_001005735.3); c.836C>T, p.Ser279Phe (NM_001257387.3); c.1298C>T, p.Ser433Phe (NM_001349956.3); c.1412C>T, p.Ser471Phe (NM_145862.3); short protein forms S500F, S543F, S279F, S433F, S471F.
Identifiers: ClinVar variation 183902 (VCV000183902.20), dbSNP rs28909981, ClinGen allele CA186920.

ClinVar aggregate classification (germline): Conflicting classifications of pathogenicity. Review status: criteria provided, conflicting classifications (1 of 4 stars). 4 submissions from 4 submitters: Uncertain significance (3); Likely benign (1). Last evaluated 2025-05-13.

Conditions:
Hereditary cancer-predisposing syndrome. Also called: Tumor predisposition; Hereditary Cancer Syndrome; Hereditary neoplastic syndrome; Neoplastic Syndromes, Hereditary. Identifiers: Orphanet 140162, MedGen C0027672, MeSH D009386, MONDO:0015356.
Familial cancer of breast. Also called: BREAST CANCER, FAMILIAL; Hereditary breast cancer; hereditary breast carcinoma. Identifiers: Orphanet 227535, MedGen C0346153, MONDO:0016419, OMIM 114480. Disease mechanism: loss of function.

Allele frequency attached by ClinVar (database versions not stated): gnomAD exomes below 0.00001; gnomAD 0.00001.
gnomAD v4.1: 4 of 1,594,826 alleles (0.00025%); highest among the groups gnomAD compares: East Asian, 0.0067%; no homozygotes.

Submissions (4):

Labcorp Genetics (formerly Invitae), Labcorp
Classification: Uncertain significance for Familial cancer of breast. Last evaluated: 2025-05-13. Review status: criteria provided, single submitter. Criteria: Invitae Variant Classification Sherloc (09022015). Collection method: clinical testing. Allele origin: germline.
Comment: This sequence change replaces serine, which is neutral and polar, with phenylalanine, which is neutral and non-polar, at codon 500 of the CHEK2 protein (p.Ser500Phe). This variant is present in population databases (rs786201149, gnomAD 0.005%). This variant has not been reported in the literature in individuals affected with CHEK2-related conditions. ClinVar contains an entry for this variant (Variation ID: 183902). An algorithm developed to predict the effect of missense changes on protein structure and function outputs the following: PolyPhen-2: "Benign". The phenylalanine amino acid residue is found in multiple mammalian species, which suggests that this missense change does not adversely affect protein function. In summary, the available evidence is currently insufficient to determine the role of this variant in disease. Therefore, it has been classified as a Variant of Uncertain Significance.

Women's Health and Genetics/Laboratory Corporation of America, LabCorp
Classification: Uncertain significance. Last evaluated: 2021-04-16. Review status: criteria provided, single submitter. Criteria: LabCorp Variant Classification Summary - May 2015. Collection method: clinical testing. Allele origin: germline.
Comment: Variant summary: CHEK2 c.1499C>T (p.Ser500Phe) results in a non-conservative amino acid change in the encoded protein sequence. Four of five in-silico tools predict a benign effect of the variant on protein function. The variant allele was found at a frequency of 4.3e-06 in 233632 control chromosomes. The available data on variant occurrences in the general population are insufficient to allow any conclusion about variant significance. To our knowledge, no occurrence of c.1499C>T in individuals affected with Hereditary Breast And Ovarian Cancer Syndrome and no experimental evidence demonstrating its impact on protein function have been reported. Three clinical diagnostic laboratories have submitted clinical-significance assessments for this variant to ClinVar after 2014 without evidence for independent evaluation (VUS n=2, likely benign n=1). Based on the evidence outlined above, the variant was classified as uncertain significance.

Color Diagnostics, LLC DBA Color Health
Classification: Uncertain significance for Hereditary cancer-predisposing syndrome. Last evaluated: 2020-01-13. Review status: criteria provided, single submitter. Criteria: ACMG Guidelines, 2015. Collection method: clinical testing. Allele origin: germline.
Comment: This missense variant replaces serine with phenylalanine at codon 500 of the CHEK2 protein. Computational prediction suggests that this variant may not impact protein structure and function (internally defined REVEL score threshold <= 0.5, PMID: 27666373). Splice site prediction tools suggest that this variant may not impact RNA splicing. To our knowledge, functional studies have not been performed for this variant. This variant has not been reported in individuals affected with hereditary cancer in the literature. This variant has been identified in 2/265034 chromosomes in the general population by the Genome Aggregation Database (gnomAD). The available evidence is insufficient to determine the role of this variant in disease conclusively. Therefore, this variant is classified as a Variant of Uncertain Significance.

Ambry Genetics
Classification: Likely benign for Hereditary cancer-predisposing syndrome. Last evaluated: 2019-12-11. Review status: criteria provided, single submitter. Criteria: Ambry Variant Classification Scheme 2023. Collection method: clinical testing. Allele origin: germline.